The following is an entry in ClinVar:

ClinVar aggregate classification (germline): Uncertain significance (1 of 4 stars; one submission).

Submission:

Ambry Genetics
Classification: Uncertain significance. Last evaluated: 2021-12-10. Review status: criteria provided, single submitter. Criteria: Ambry Variant Classification Scheme 2023. Collection method: clinical testing. Allele origin: germline.
Comment: The p.D24Y variant (also known as c.70G>T), located in coding exon 2 of the RAD54L gene, results from a G to T substitution at nucleotide position 70. The aspartic acid at codon 24 is replaced by tyrosine, an amino acid with highly dissimilar properties. This amino acid position is conserved. In addition, the in silico prediction for this alteration is inconclusive. Since supporting evidence is limited at this time, the clinical significance of this alteration remains unclear.

NM_003579.4(RAD54L):c.70G>T (p.Asp24Tyr)

Gene: RAD54L (RAD54 like; plus strand). Cytogenetic location: 1p34.1.
Variant type: single nucleotide variant.
Coding change: c.70G>T on transcript NM_003579.4 (MANE Select); coding-DNA position 70, G replaced by T.
Protein change: p.Asp24Tyr; replaces aspartic acid 24 with tyrosine.
Molecular consequence: missense variant. On other transcripts: 5 prime UTR variant (1).
Genome position (GRCh38, 1-based): chr1:46,248,578, G>T. VCF-style: chr1-46248578-G-T. GRCh37 (hg19) VCF-style: chr1-46714250-G-T.
Other names: c.70G>T, p.Asp24Tyr (NM_001142548.2); c.-471G>T (NM_001370766.1); short protein forms D24Y.
Identifiers: ClinVar variation 1757178 (VCV001757178.2), dbSNP rs2525626862, ClinGen allele CA340174617.